The following is an entry in ClinVar:

ClinVar aggregate classification (germline): Uncertain significance (1 of 4 stars; one submission).

Allele frequency attached by ClinVar (database versions not stated): gnomAD exomes below 0.00001; gnomAD 0.00001.
gnomAD v4.1: 3 of 1,614,102 alleles (0.00019%); highest among the groups gnomAD compares: South Asian, 0.0011%; no homozygotes.

Submission:

Labcorp Genetics (formerly Invitae), Labcorp
Classification: Uncertain significance. Last evaluated: 2024-03-11. Review status: criteria provided, single submitter. Criteria: Invitae Variant Classification Sherloc (09022015). Collection method: clinical testing. Allele origin: germline.
Comment: This sequence change replaces phenylalanine, which is neutral and non-polar, with serine, which is neutral and polar, at codon 87 of the CDHR1 protein (p.Phe87Ser). This variant is not present in population databases (gnomAD no frequency). This variant has not been reported in the literature in individuals affected with CDHR1-related conditions. ClinVar contains an entry for this variant (Variation ID: 1919971). Advanced modeling of protein sequence and biophysical properties (such as structural, functional, and spatial information, amino acid conservation, physicochemical variation, residue mobility, and thermodynamic stability) performed at Invitae indicates that this missense variant is not expected to disrupt CDHR1 protein function with a negative predictive value of 80%. In summary, the available evidence is currently insufficient to determine the role of this variant in disease. Therefore, it has been classified as a Variant of Uncertain Significance.

NM_033100.4(CDHR1):c.260T>C (p.Phe87Ser)

Gene: CDHR1 (cadherin related family member 1; plus strand). Cytogenetic location: 10q23.1.
Variant type: single nucleotide variant.
Coding change: c.260T>C on transcript NM_033100.4 (MANE Select); coding-DNA position 260, T replaced by C.
Protein change: p.Phe87Ser; replaces phenylalanine 87 with serine.
Molecular consequence: missense variant.
Genome position (GRCh38, 1-based): chr10:84,196,613, T>C. VCF-style: chr10-84196613-T-C. GRCh37 (hg19) VCF-style: chr10-85956369-T-C.
Other names: c.260T>C, p.Phe87Ser (NM_001171971.3); short protein forms F87S.
Identifiers: ClinVar variation 1919971 (VCV001919971.5), dbSNP rs1842034369, ClinGen allele CA377370416.